The following is an entry in ClinVar:

ClinVar aggregate classification (germline): Uncertain significance (1 of 4 stars; one submission).

Conditions:
Schaaf-Yang syndrome (SHFYNG). Also called: Arthrogryposis, distal, with hypopituitarism, intellectual disability, and facial anomalies; MAGEL2-related Prader-Willi-like syndrome. Identifiers: Orphanet 398069, MedGen C5575066, MONDO:0014243, OMIM 615547.

Submission:

Laboratorio de Genetica e Diagnostico Molecular, Hospital Israelita Albert Einstein
Classification: Uncertain significance for Schaaf-Yang syndrome. Last evaluated: 2024-02-16. Review status: criteria provided, single submitter. Criteria: ACMG Guidelines, 2015. Collection method: clinical testing. Allele origin: germline. Affected: yes.
Comment: ACMG classification criteria: PM2 supporting, BP4 supporting

NM_019066.5(MAGEL2):c.2363G>A (p.Ser788Asn)

Gene: MAGEL2 (MAGE family member L2; minus strand). Cytogenetic location: 15q11.2.
Variant type: single nucleotide variant.
Coding change: c.2363G>A on transcript NM_019066.5 (MANE Select); coding-DNA position 2363, G replaced by A.
Protein change: p.Ser788Asn; replaces serine 788 with asparagine.
Molecular consequence: missense variant.
Genome position (GRCh38, 1-based): chr15:23,645,380, C>T on the plus strand (G>A on the coding strand, the complement: MAGEL2 is on the minus strand). VCF-style: chr15-23645380-C-T. GRCh37 (hg19) VCF-style: chr15-23890527-C-T.
Other names: short protein forms S788N.
Identifiers: ClinVar variation 4056594 (VCV004056594.1).